The following is an entry in ClinVar:

NM_001105206.3(LAMA4):c.1747A>G (p.Ser583Gly)

Gene: LAMA4 (laminin subunit alpha 4; minus strand). Cytogenetic location: 6q21.
Variant type: single nucleotide variant.
Coding change: c.1747A>G on transcript NM_001105206.3 (MANE Select); coding-DNA position 1747, A replaced by G.
Protein change: p.Ser583Gly; replaces serine 583 with glycine.
Molecular consequence: missense variant.
Genome position (GRCh38, 1-based): chr6:112,158,802, T>C on the plus strand (A>G on the coding strand, the complement: LAMA4 is on the minus strand). VCF-style: chr6-112158802-T-C. GRCh37 (hg19) VCF-style: chr6-112480004-T-C.
Other names: c.1726A>G, p.Ser576Gly (NM_001105207.3, NM_002290.5); short protein forms S576G, S583G.
Identifiers: ClinVar variation 2889338 (VCV002889338.3), dbSNP rs1780878130, ClinGen allele CA365365650.

ClinVar aggregate classification (germline): Uncertain significance (1 of 4 stars; one submission).

Conditions:
Dilated cardiomyopathy 1JJ (CMD1JJ). Identifiers: Orphanet 154, MedGen C3808935, MONDO:0014095, OMIM 615235.

Allele frequency attached by ClinVar (database versions not stated): TOPMed below 0.00001.

Submission:

Labcorp Genetics (formerly Invitae), Labcorp
Classification: Uncertain significance for Dilated cardiomyopathy 1JJ. Last evaluated: 2023-05-30. Review status: criteria provided, single submitter. Criteria: Invitae Variant Classification Sherloc (09022015). Collection method: clinical testing. Allele origin: germline.
Comment: This sequence change replaces serine, which is neutral and polar, with glycine, which is neutral and non-polar, at codon 576 of the LAMA4 protein (p.Ser576Gly). This variant is not present in population databases (gnomAD no frequency). This variant has not been reported in the literature in individuals affected with LAMA4-related conditions. An algorithm developed to predict the effect of missense changes on protein structure and function (PolyPhen-2) suggests that this variant is likely to be tolerated. In summary, the available evidence is currently insufficient to determine the role of this variant in disease. Therefore, it has been classified as a Variant of Uncertain Significance.